The following is an entry in ClinVar:

NM_021625.5(TRPV4):c.26G>A (p.Arg9His)

Gene: TRPV4 (transient receptor potential cation channel subfamily V member 4; minus strand). Cytogenetic location: 12q24.11.
Variant type: single nucleotide variant.
Coding change: c.26G>A on transcript NM_021625.5 (MANE Select); coding-DNA position 26, G replaced by A.
Protein change: p.Arg9His; replaces arginine 9 with histidine.
Molecular consequence: missense variant.
Genome position (GRCh38, 1-based): chr12:109,814,771, C>T on the plus strand (G>A on the coding strand, the complement: TRPV4 is on the minus strand). VCF-style: chr12-109814771-C-T. GRCh37 (hg19) VCF-style: chr12-110252576-C-T.
Other names: c.26G>A, p.Arg9His (NM_001177428.2, NM_001177431.2, NM_001177433.2 and 1 more transcripts); short protein forms R9H.
Identifiers: ClinVar variation 469042 (VCV000469042.11), dbSNP rs776163103, ClinGen allele CA6780639.

ClinVar aggregate classification (germline): Uncertain significance. Review status: criteria provided, multiple submitters, no conflicts (2 of 4 stars). 3 submissions from 3 submitters: Uncertain significance (3). Last evaluated 2026-07-02.

Conditions:
TRPV4-related disorder. Also called: TRPV4-related disorders; TRPV4-related condition.
Inborn genetic diseases. Identifiers: MedGen C0950123, MeSH D030342.
Charcot-Marie-Tooth disease axonal type 2C (HMSN2C). Also called: Charcot-Marie-Tooth Disease Type 2, TRPV4-Related (CMT2C); CHARCOT-MARIE-TOOTH DISEASE, AXONAL, AUTOSOMAL DOMINANT, TYPE 2C; Charcot-Marie-Tooth Neuropathy Type 2C. Identifiers: Orphanet 99937, MedGen C1853710, MONDO:0011633, OMIM 606071.

Allele frequency attached by ClinVar (database versions not stated): gnomAD 0.00001 and 0.00003; gnomAD exomes 0.00001; TOPMed 0.00002; ExAC 0.00006.
gnomAD v4.1: 26 of 1,549,416 alleles (0.0017%); highest among the groups gnomAD compares: Middle Eastern, 0.019%; no homozygotes.

Submissions (3):

PreventionGenetics, part of Exact Sciences
Classification: Uncertain significance for TRPV4-related condition. Last evaluated: 2026-07-02. Review status: criteria provided, single submitter. Criteria: ACMG Guidelines, 2015. Collection method: clinical testing. Allele origin: germline.
Comment: The TRPV4 c.26G>A variant is predicted to result in the amino acid substitution p.Arg9His. To our knowledge, this variant has not been reported in the literature. This variant is reported in 0.013% of alleles in individuals of African descent in gnomAD. At this time, the clinical significance of this variant is uncertain due to the absence of conclusive functional and genetic evidence.

Labcorp Genetics (formerly Invitae), Labcorp
Classification: Uncertain significance for Charcot-Marie-Tooth disease axonal type 2C. Last evaluated: 2025-05-17. Review status: criteria provided, single submitter. Criteria: Invitae Variant Classification Sherloc (09022015). Collection method: clinical testing. Allele origin: germline.
Comment: This sequence change replaces arginine, which is basic and polar, with histidine, which is basic and polar, at codon 9 of the TRPV4 protein (p.Arg9His). This variant is present in population databases (rs776163103, gnomAD 0.01%). This variant has not been reported in the literature in individuals affected with TRPV4-related conditions. ClinVar contains an entry for this variant (Variation ID: 469042). Invitae Evidence Modeling of protein sequence and biophysical properties (such as structural, functional, and spatial information, amino acid conservation, physicochemical variation, residue mobility, and thermodynamic stability) indicates that this missense variant is not expected to disrupt TRPV4 protein function with a negative predictive value of 95%. In summary, the available evidence is currently insufficient to determine the role of this variant in disease. Therefore, it has been classified as a Variant of Uncertain Significance.

Ambry Genetics
Classification: Uncertain significance for Inborn genetic diseases. Last evaluated: 2024-03-19. Review status: criteria provided, single submitter. Criteria: Ambry Variant Classification Scheme 2023. Collection method: clinical testing. Allele origin: germline.